The following is an entry in ClinVar:

NM_004260.4(RECQL4):c.2139dup (p.Glu714fs)

Gene: RECQL4 (RecQ like helicase 4; minus strand). Cytogenetic location: 8q24.3.
Variant type: Duplication.
Coding change: c.2139dup on transcript NM_004260.4 (MANE Select); coding-DNA position 2139, one base duplicated (A; older notation c.2139dupA).
Protein change: p.Glu714fs; shifts the reading frame from glutamic acid 714.
Molecular consequence: frameshift variant.
Genome position (GRCh38, 1-based): chr8:144,513,632, T duplicated on the plus strand (A on the coding strand, the reverse complement: RECQL4 is on the minus strand). VCF-style (leftmost placement, unchanged base first): chr8-144513631-C-CT. GRCh37 (hg19) VCF-style: chr8-145739015-C-CT.
Other names: c.2043dup, p.Glu682Argfs (NM_001413017.1, NM_001413020.1); c.2139dup, p.Glu714Argfs (NM_001413018.1, NM_001413019.1, NM_001413036.1); c.1068dup, p.Glu357Argfs (NM_001413021.1, NM_001413022.1, NM_001413023.1 and 6 more transcripts); c.2010dup, p.Glu671Argfs (NM_001413025.1); c.1002dup, p.Glu335Argfs (NM_001413027.1, NM_001413030.1, NM_001413032.1 and 1 more transcripts); c.1788dup, p.Glu597Argfs (NM_001413029.1); c.870dup, p.Glu291Argfs (NM_001413031.1); c.2007dup, p.Glu670Argfs (NM_001413033.1); and 4 more; short protein forms E714fs.
Identifiers: ClinVar variation 2028369 (VCV002028369.4), dbSNP rs2538018509, ClinGen allele CA2580078748.
Genomic context (GRCh38, chr8:144,513,631, plus strand): 5'-CTCCAGACCCTGGGACCCAGGCTGCGTGCAGGCAGGTTCGGAGGAGCGCAGCGATCCGCT[C>CT]TGTGTCCTCGCGCCGGTTGCAGTAAATGATAATGGAATCGAGGTTTTGAAAACGTTTGCC-3'

ClinVar aggregate classification (germline): Pathogenic (1 of 4 stars; one submission).

Conditions:
Baller-Gerold syndrome (BGS). Also called: CRANIOSYNOSTOSIS WITH RADIAL DEFECTS. Identifiers: Orphanet 1225, MedGen C0265308, MONDO:0009039, OMIM 218600.

Submission:

Labcorp Genetics (formerly Invitae), Labcorp
Classification: Pathogenic for Baller-Gerold syndrome. Last evaluated: 2022-09-19. Review status: criteria provided, single submitter. Criteria: Invitae Variant Classification Sherloc (09022015). Collection method: clinical testing. Allele origin: germline.
Comment: For these reasons, this variant has been classified as Pathogenic. This variant has not been reported in the literature in individuals affected with RECQL4-related conditions. This variant is not present in population databases (gnomAD no frequency). This sequence change creates a premature translational stop signal (p.Glu714Argfs*95) in the RECQL4 gene. It is expected to result in an absent or disrupted protein product. Loss-of-function variants in RECQL4 are known to be pathogenic (PMID: 12734318, 12952869).

Literature cited by the submitters: PubMed 12734318; PubMed 12952869.